The following is an entry in ClinVar:

NM_001918.5(DBT):c.715A>G (p.Ile239Val)

Gene: DBT (dihydrolipoamide branched chain transacylase E2; minus strand). Cytogenetic location: 1p21.2.
Variant type: single nucleotide variant.
Coding change: c.715A>G on transcript NM_001918.5 (MANE Select); coding-DNA position 715, A replaced by G.
Protein change: p.Ile239Val; replaces isoleucine 239 with valine.
Molecular consequence: missense variant.
Genome position (GRCh38, 1-based): chr1:100,216,040, T>C on the plus strand (A>G on the coding strand, the complement: DBT is on the minus strand). VCF-style: chr1-100216040-T-C. GRCh37 (hg19) VCF-style: chr1-100681596-T-C.
Other names: c.715A>G (NM_001918.4); short protein forms I239V.
Identifiers: ClinVar variation 94010 (VCV000094010.22), dbSNP rs72973763, ClinGen allele CA147531.

ClinVar aggregate classification (germline): Benign. Review status: criteria provided, multiple submitters, no conflicts (2 of 4 stars). 7 submissions from 7 submitters: Benign (7). Last evaluated 2026-02-04.

Conditions:
Maple syrup urine disease (MSUD). Identifiers: Orphanet 511, MedGen C0024776, MeSH D008375, MONDO:0009563. Disease mechanism: loss of function.

Allele frequency attached by ClinVar (database versions not stated): 1000 Genomes Project 0.03594; TOPMed 0.03677; 1000 Genomes Project 30x 0.03748; ESP Exome Variant Server 0.03821; ExAC 0.01036; gnomAD 0.03195 and 0.03442.
gnomAD v4.1: 9,596 of 1,613,626 alleles (0.59%); highest among the groups gnomAD compares: African/African-American, 11%; 535 homozygotes.

Submissions (7):

Labcorp Genetics (formerly Invitae), Labcorp
Classification: Benign for Maple syrup urine disease. Last evaluated: 2026-02-04. Review status: criteria provided, single submitter. Criteria: Invitae Variant Classification Sherloc (09022015). Collection method: clinical testing. Allele origin: germline.

Genome-Nilou Lab
Classification: Benign for Maple syrup urine disease type 1A. Last evaluated: 2023-04-11. Review status: criteria provided, single submitter. Criteria: ACMG Guidelines, 2015. Collection method: clinical testing. Allele origin: germline. Affected: no.

Mayo Clinic Laboratories, Mayo Clinic
Classification: Benign. Last evaluated: 2022-10-05. Review status: criteria provided, single submitter. Criteria: ACMG Guidelines, 2015. Collection method: clinical testing. Allele origin: germline. Observed: 1 variant allele.

Illumina Laboratory Services, Illumina
Classification: Benign for Maple syrup urine disease type 1A. Last evaluated: 2018-01-12. Review status: criteria provided, single submitter. Criteria: ICSL Variant Classification Criteria 13 December 2019. Collection method: clinical testing. Allele origin: germline.
Comment: This variant was observed in the ICSL laboratory as part of a predisposition screen in an ostensibly healthy population. It had not been previously curated by ICSL or reported in the Human Gene Mutation Database (HGMD: prior to June 1st, 2018), and was therefore a candidate for classification through an automated scoring system. Utilizing variant allele frequency, disease prevalence and penetrance estimates, and inheritance mode, an automated score was calculated to assess if this variant is too frequent to cause the disease. Based on the score and internal cut-off values, a variant classified as benign is not then subjected to further curation. The score for this variant resulted in a classification of benign for this disease.

GeneDx
Classification: Benign. Last evaluated: 2015-05-08. Review status: criteria provided, single submitter. Criteria: GeneDx Variant Classification (06012015). Collection method: clinical testing. Allele origin: germline. Affected: yes.
Comment: This variant is considered likely benign or benign based on one or more of the following criteria: it is a conservative change, it occurs at a poorly conserved position in the protein, it is predicted to be benign by multiple in silico algorithms, and/or has population frequency not consistent with disease.

Eurofins Ntd Llc (ga)
Classification: Benign. Last evaluated: 2013-08-23. Review status: criteria provided, single submitter. Criteria: EGL Classification Definitions 2015. Collection method: clinical testing. Allele origin: germline. Observed: 4 variant alleles, 4 heterozygotes.

Breakthrough Genomics
Classification: Benign. Review status: criteria provided, single submitter. Criteria: ACMG Guidelines, 2015. Collection method: not provided. Allele origin: germline. Inheritance: Autosomal recessive inheritance. Affected: yes.